The following is an entry in ClinVar:

ClinVar aggregate classification (germline): Uncertain significance (1 of 4 stars; one submission).

gnomAD v4.1: 6 of 1,421,614 alleles (0.00042%); highest among the groups gnomAD compares: Non-Finnish European, 0.00037%; no homozygotes.

Submission:

CeGaT Center for Human Genetics Tuebingen
Classification: Uncertain significance. Last evaluated: 2026-08-01. Review status: criteria provided, single submitter. Criteria: CeGaT Center For Human Genetics Tuebingen Variant Classification Criteria Version 2. Collection method: clinical testing. Allele origin: germline. Affected: yes. Observed: 1 variant allele.
Comment: ADCY5: PM2, BP4

NM_183357.3(ADCY5):c.2473A>G (p.Arg825Gly)

Gene: ADCY5 (adenylate cyclase 5; minus strand). Cytogenetic location: 3q21.1.
Variant type: single nucleotide variant.
Coding change: c.2473A>G on transcript NM_183357.3 (MANE Select); coding-DNA position 2473, A replaced by G.
Protein change: p.Arg825Gly; replaces arginine 825 with glycine.
Molecular consequence: missense variant.
Genome position (GRCh38, 1-based): chr3:123,304,153, T>C on the plus strand (A>G on the coding strand, the complement: ADCY5 is on the minus strand). VCF-style: chr3-123304153-T-C. GRCh37 (hg19) VCF-style: chr3-123023000-T-C.
Other names: c.1423A>G, p.Arg475Gly (NM_001199642.1); c.2473A>G, p.Arg825Gly (NM_001378259.1); short protein forms R475G, R825G.
Identifiers: ClinVar variation 5040435 (VCV005040435.1).
Genomic context (GRCh38, chr3:123,304,153, plus strand): 5'-CCAGGGTGATGGTGAACACCCCAACCAGGGTGCTGTTCATCTTGGACCGCACGATCTTCC[T>C]GGAGAGGGTCTGCAGTGGGGAGGGGAAGAGCTAGGGTGGGGGCAGGGGTGGAGAGGGAGG-3'
Protein context (NP_899200.1, residues 815-835): LFPSPLQTLS[Arg825Gly]KIVRSKMNST